The following is an entry in ClinVar:

NM_006231.4(POLE):c.5335C>A (p.Pro1779Thr)

Gene: POLE (DNA polymerase epsilon, catalytic subunit; minus strand). Cytogenetic location: 12q24.33.
Variant type: single nucleotide variant.
Coding change: c.5335C>A on transcript NM_006231.4 (MANE Select); coding-DNA position 5335, C replaced by A.
Protein change: p.Pro1779Thr; replaces proline 1779 with threonine.
Molecular consequence: missense variant.
Genome position (GRCh38, 1-based): chr12:132,641,690, G>T on the plus strand (C>A on the coding strand, the complement: POLE is on the minus strand). VCF-style: chr12-132641690-G-T. GRCh37 (hg19) VCF-style: chr12-133218276-G-T.
Other names: short protein forms P1779T.
Identifiers: ClinVar variation 4841500 (VCV004841500.1).
Genomic context (GRCh38, chr12:132,641,690, plus strand): 5'-CCCAGAGAGGGTGGCACCTGAAGGTGTTAGAGCACAGGGCTGTCTCATCGTAGCTGGCCG[G>T]GGCACTGGCAGCCTGACCACCCGTGATCATGTCCTCCAGGGAGGCCTGCTGGATCACGTC-3'
Protein context (NP_006222.2, residues 1769-1789): MITGGQAASA[Pro1779Thr]ASYDETALCS

ClinVar aggregate classification (germline): Uncertain significance (1 of 4 stars; one submission).

Conditions:
Hereditary cancer-predisposing syndrome. Also called: Neoplastic Syndromes, Hereditary; Tumor predisposition; Hereditary Cancer Syndrome; Hereditary neoplastic syndrome. Identifiers: Orphanet 140162, MedGen C0027672, MeSH D009386, MONDO:0015356.

Submission:

Ambry Genetics
Classification: Uncertain significance for Hereditary cancer-predisposing syndrome. Last evaluated: 2025-12-21. Review status: criteria provided, single submitter. Criteria: Ambry Variant Classification Scheme 2023. Collection method: clinical testing. Allele origin: germline.
Comment: The p.P1779T variant (also known as c.5335C>A), located in coding exon 39 of the POLE gene, results from a C to A substitution at nucleotide position 5335. The proline at codon 1779 is replaced by threonine, an amino acid with highly similar properties. This amino acid position is conserved. In addition, this alteration is predicted to be tolerated by in silico analysis. Based on the available evidence, the clinical significance of this variant remains unclear.